The following is an entry in ClinVar:

ClinVar aggregate classification (germline): Likely benign. Review status: criteria provided, multiple submitters, no conflicts (2 of 4 stars). 4 submissions from 4 submitters: Likely benign (4). Last evaluated 2025-12-09.

Conditions:
BRCA2-related cancer predisposition. Identifiers: MedGen CN377758, MONDO:0700269.
Hereditary cancer-predisposing syndrome. Also called: Neoplastic Syndromes, Hereditary; Tumor predisposition; Hereditary neoplastic syndrome; Hereditary Cancer Syndrome. Identifiers: Orphanet 140162, MedGen C0027672, MeSH D009386, MONDO:0015356.
Hereditary breast ovarian cancer syndrome. Also called: Hereditary breast and ovarian cancer syndrome; Hereditary breast and ovarian cancer; Hereditary breast and ovarian cancer syndrome (HBOC); Breast and ovarian cancer; Hereditary breast and/or ovarian cancer syndrome; BRCA1- and BRCA2-Associated Hereditary Breast and Ovarian Cancer. Identifiers: Orphanet 145, MedGen C0677776, MeSH D061325, MONDO:0003582. Disease mechanism: loss of function.

Submissions (4):

Labcorp Genetics (formerly Invitae), Labcorp
Classification: Likely benign for Hereditary breast ovarian cancer syndrome. Last evaluated: 2025-12-09. Review status: criteria provided, single submitter. Criteria: Invitae Variant Classification Sherloc (09022015). Collection method: clinical testing. Allele origin: germline.

All of Us Research Program, National Institutes of Health
Classification: Likely benign for BRCA2-related cancer predisposition. Last evaluated: 2024-08-13. Review status: criteria provided, single submitter. Criteria: ACMG Guidelines, 2015. Collection method: clinical testing. Allele origin: germline. Inheritance: Autosomal dominant inheritance. Observed: 1 variant allele, 1 heterozygote.
Comment: This study involves interpretation of variants in research participants for the purpose of population health screening. Participant phenotype was not available at the time of variant classification. Additional details can be found in publication PMID: 35346344, PMCID: PMC8962531

Women's Health and Genetics/Laboratory Corporation of America, LabCorp
Classification: Likely benign. Last evaluated: 2020-05-07. Review status: criteria provided, single submitter. Criteria: LabCorp Variant Classification Summary - May 2015. Collection method: clinical testing. Allele origin: germline.

Ambry Genetics
Classification: Likely benign for Hereditary cancer-predisposing syndrome. Last evaluated: 2019-09-19. Review status: criteria provided, single submitter. Criteria: Ambry Variant Classification Scheme 2023. Collection method: clinical testing. Allele origin: germline.

NM_000059.4(BRCA2):c.3402C>T (p.Ser1134=)

Gene: BRCA2 (BRCA2 DNA repair associated; plus strand). Cytogenetic location: 13q13.1.
Variant type: single nucleotide variant.
Coding change: c.3402C>T on transcript NM_000059.4 (MANE Select); coding-DNA position 3402, C replaced by T.
Protein change: p.Ser1134=; no amino-acid change (serine 1134 retained).
Molecular consequence: synonymous variant.
Genome position (GRCh38, 1-based): chr13:32,337,757, C>T. VCF-style: chr13-32337757-C-T. GRCh37 (hg19) VCF-style: chr13-32911894-C-T.
Identifiers: ClinVar variation 823732 (VCV000823732.15), dbSNP rs1593899435, ClinGen allele CA483437387.